The following is an entry in ClinVar:

NM_001036.6(RYR3):c.2574+5G>T

Gene: RYR3 (ryanodine receptor 3; plus strand). Cytogenetic location: 15q14.
Variant type: single nucleotide variant.
Coding change: c.2574+5G>T on transcript NM_001036.6 (MANE Select); 5 bases into the intron after coding-DNA position 2574, G replaced by T.
Molecular consequence: intron variant.
Genome position (GRCh38, 1-based): chr15:33,624,028, G>T. VCF-style: chr15-33624028-G-T. GRCh37 (hg19) VCF-style: chr15-33916229-G-T.
Other names: c.2574+5G>T (NM_001243996.4).
Identifiers: ClinVar variation 582001 (VCV000582001.6), dbSNP rs1566808408, ClinGen allele CA891844381.

ClinVar aggregate classification (germline): Uncertain significance (1 of 4 stars; one submission).

Conditions:
Epileptic encephalopathy. Identifiers: MedGen C0543888, HP:0200134.

Allele frequency attached by ClinVar (database versions not stated): TOPMed below 0.00001; gnomAD 0.00001; gnomAD exomes 0.00001.
gnomAD v4.1: 13 of 1,608,528 alleles (0.00081%); highest among the groups gnomAD compares: Non-Finnish European, 0.0011%; no homozygotes.

Submission:

Labcorp Genetics (formerly Invitae), Labcorp
Classification: Uncertain significance for Epileptic encephalopathy. Last evaluated: 2025-01-20. Review status: criteria provided, single submitter. Criteria: Invitae Variant Classification Sherloc (09022015). Collection method: clinical testing. Allele origin: germline.
Comment: This sequence change falls in intron 20 of the RYR3 gene. It does not directly change the encoded amino acid sequence of the RYR3 protein. It affects a nucleotide within the consensus splice site. This variant is not present in population databases (gnomAD no frequency). This variant has not been reported in the literature in individuals affected with RYR3-related conditions. ClinVar contains an entry for this variant (Variation ID: 582001). Variants that disrupt the consensus splice site are a relatively common cause of aberrant splicing (PMID: 17576681, 9536098). Algorithms developed to predict the effect of sequence changes on RNA splicing suggest that this variant may disrupt the consensus splice site. In summary, the available evidence is currently insufficient to determine the role of this variant in disease. Therefore, it has been classified as a Variant of Uncertain Significance.

Literature cited by the submitters: PubMed 17576681; PubMed 9536098.